The following is an entry in ClinVar:

NM_001365693.1(MGAM):c.3375C>T (p.Arg1125=)

Gene: MGAM (maltase-glucoamylase; plus strand). Cytogenetic location: 7q34.
Variant type: single nucleotide variant.
Coding change: c.3375C>T on transcript NM_001365693.1 (MANE Select); coding-DNA position 3375, C replaced by T.
Protein change: p.Arg1125=; no amino-acid change (arginine 1125 retained).
Molecular consequence: synonymous variant.
Genome position (GRCh38, 1-based): chr7:142,055,618, C>T. VCF-style: chr7-142055618-C-T. GRCh37 (hg19) VCF-style: chr7-141755418-C-T.
Other names: c.3375C>T, p.Arg1125= (NM_004668.3).
Identifiers: ClinVar variation 3053225 (VCV003053225.2), dbSNP rs146671003, ClinGen allele CA168119088.

ClinVar aggregate classification (germline): Likely benign (0 of 4 stars; one submission).

Conditions:
MGAM-related disorder. Also called: MGAM-related condition.

Allele frequency attached by ClinVar (database versions not stated): ESP Exome Variant Server 0.00025; ExAC 0.00030; gnomAD 0.00044; 1000 Genomes Project 0.00060; TOPMed 0.00074; 1000 Genomes Project 30x 0.00078.
gnomAD v4.1: 574 of 1,613,966 alleles (0.036%); highest among the groups gnomAD compares: Middle Eastern, 0.68%; 2 homozygotes.

Submission:

PreventionGenetics, part of Exact Sciences
Classification: Likely benign for MGAM-related condition. Last evaluated: 2022-11-22. Review status: no assertion criteria provided. Collection method: clinical testing. Allele origin: germline.
Comment: This variant is classified as likely benign based on ACMG/AMP sequence variant interpretation guidelines (Richards et al. 2015 PMID: 25741868, with internal and published modifications).